The following is an entry in ClinVar:

ClinVar aggregate classification (germline): Conflicting classifications of pathogenicity. Review status: criteria provided, conflicting classifications (1 of 4 stars). 3 submissions from 3 submitters: Uncertain significance (1); Likely benign (2). Last evaluated 2024-12-08.

Conditions:
Inborn genetic diseases. Identifiers: MedGen C0950123, MeSH D030342.
Deafness-lymphedema-leukemia syndrome. Also called: Lymphedema, primary, with myelodysplasia; Emberger syndrome. Identifiers: Orphanet 3226, MedGen C3279664, MONDO:0013540, OMIM 614038.
Monocytopenia with susceptibility to infections. Also called: MONOCYTOPENIA AND MYCOBACTERIAL INFECTION SYNDROME; MONOCYTOPENIA WITH SUSCEPTIBILITY TO MYCOBACTERIAL, FUNGAL, AND PAPILLOMAVIRUS INFECTIONS AND MYELODYSPLASIA; COMBINED IMMUNODEFICIENCY WITH SUSCEPTIBILITY TO MYCOBACTERIAL, VIRAL, AND FUNGAL INFECTIONS; Dendritic cell, monocyte, B lymphocyte, and natural killer lymphocyte deficiency; GATA2 DEFICIENCY; IMMUNODEFICIENCY 21. Identifiers: Orphanet 228423, MedGen C3280030, MONDO:0013607, OMIM 614172.
Hereditary cancer-predisposing syndrome. Also called: Hereditary Cancer Syndrome; Neoplastic Syndromes, Hereditary; Tumor predisposition; Hereditary neoplastic syndrome. Identifiers: Orphanet 140162, MedGen C0027672, MeSH D009386, MONDO:0015356.

Allele frequency attached by ClinVar (database versions not stated): ExAC 0.00001; gnomAD exomes 0.00001.

Submissions (3):

Ambry Genetics
Classification: Likely benign for Inborn genetic diseases. Last evaluated: 2024-12-08. Review status: criteria provided, single submitter. Criteria: Ambry Variant Classification Scheme 2023. Collection method: clinical testing. Allele origin: germline.

Labcorp Genetics (formerly Invitae), Labcorp
Classification: Likely benign for Monocytopenia with susceptibility to infections; Deafness-lymphedema-leukemia syndrome. Last evaluated: 2023-07-24. Review status: criteria provided, single submitter. Criteria: Invitae Variant Classification Sherloc (09022015). Collection method: clinical testing. Allele origin: germline.

Sema4
Classification: Uncertain significance for Hereditary cancer-predisposing syndrome. Last evaluated: 2021-07-15. Review status: criteria provided, single submitter. Criteria: Sema4 Curation Guidelines. Collection method: curation. Allele origin: germline.
Comment: The GATA2 c.1170G>A (p.K390=) variant has not been reported in the literature to our knowledge. It was observed in 3/250682 chromosomes in the Genome Aggregation Database (PMID: 32461654). The variant has been reported in ClinVar (Variation ID 1085758). In silico tools suggest the nucleotide is conserved and that the variant does not have an impact on splicing though these predictions have not been confirmed by functional studies. The evidence is insufficient to meet ACMG/AMP criteria for classifying the variant as benign or pathogenic. Thus, the clinical significance of this variant is currently uncertain.

NM_032638.5(GATA2):c.1170G>A (p.Lys390=)

Gene: GATA2 (GATA binding protein 2; minus strand). Cytogenetic location: 3q21.3.
Variant type: single nucleotide variant.
Coding change: c.1170G>A on transcript NM_032638.5 (MANE Select); coding-DNA position 1170, G replaced by A.
Protein change: p.Lys390=; no amino-acid change (lysine 390 retained).
Molecular consequence: synonymous variant.
Genome position (GRCh38, 1-based): chr3:128,481,292, C>T on the plus strand (G>A on the coding strand, the complement: GATA2 is on the minus strand). VCF-style: chr3-128481292-C-T. GRCh37 (hg19) VCF-style: chr3-128200135-C-T.
Other names: c.1170G>A, p.Lys390= (NM_001145661.2); c.1128G>A, p.Lys376= (NM_001145662.1).
Identifiers: ClinVar variation 1085758 (VCV001085758.11), dbSNP rs765884493, ClinGen allele CA2599826.